The following is an entry in ClinVar:

ClinVar aggregate classification (germline): Uncertain significance (1 of 4 stars; one submission).

Submission:

GeneDx
Classification: Uncertain significance. Last evaluated: 2022-12-09. Review status: criteria provided, single submitter. Criteria: GeneDx Variant Classification Process June 2021. Collection method: clinical testing. Allele origin: germline. Affected: yes.
Comment: Not observed in large population cohorts (gnomAD); In silico analysis supports that this missense variant has a deleterious effect on protein structure/function; Has not been previously published as pathogenic or benign to our knowledge

NM_017654.4(SAMD9):c.4159A>C (p.Asn1387His)

Gene: SAMD9 (sterile alpha motif domain containing 9; minus strand). Cytogenetic location: 7q21.2.
Variant type: single nucleotide variant.
Coding change: c.4159A>C on transcript NM_017654.4 (MANE Select); coding-DNA position 4159, A replaced by C.
Protein change: p.Asn1387His; replaces asparagine 1387 with histidine.
Molecular consequence: missense variant.
Genome position (GRCh38, 1-based): chr7:93,101,939, T>G on the plus strand (A>C on the coding strand, the complement: SAMD9 is on the minus strand). VCF-style: chr7-93101939-T-G. GRCh37 (hg19) VCF-style: chr7-92731252-T-G.
Other names: c.4159A>C, p.Asn1387His (NM_001193307.2); short protein forms N1387H.
Identifiers: ClinVar variation 1804201 (VCV001804201.1), dbSNP rs2535353912, ClinGen allele CA368180384.
Genomic context (GRCh38, chr7:93,101,939, plus strand): 5'-GCTTTACTAATCTGGAGGTAGGTTGGATACAGGAGAGAATAATGTTGGCCAAGATGAAAT[T>G]TAGCTTTTCTTTTGACTGGATTTTGACAGTGCATTGTTCTAAGAGAAAAGTATATTCGTT-3'
Protein context (NP_060124.2, residues 1377-1397): TVKIQSKEKL[Asn1387His]FILANIILSC